The following is an entry in ClinVar:

ClinVar aggregate classification (germline): Conflicting classifications of pathogenicity. Review status: criteria provided, conflicting classifications (1 of 4 stars). 2 submissions from 2 submitters: Likely pathogenic (1); Uncertain significance (1). Last evaluated 2023-05-19.

Submissions (2):

Women's Health and Genetics/Laboratory Corporation of America, LabCorp
Classification: Uncertain significance. Last evaluated: 2023-05-19. Review status: criteria provided, single submitter. Criteria: LabCorp Variant Classification Summary - May 2015. Collection method: clinical testing. Allele origin: germline.
Comment: Variant summary: PRSS12 c.1413_1416dupAAGG (p.His473LysfsX3) results in a premature termination codon, predicted to cause a truncation of the encoded protein or absence of the protein due to nonsense mediated decay. The variant allele was found at a frequency of 8e-06 in 251168 control chromosomes (gnomAD). The available data on variant occurrences in the general population are insufficient to allow any conclusion about variant significance. To our knowledge, no occurrence of c.1413_1416dupAAGG in individuals affected with Intellectual Disability, Autosomal Recessive 1 and no experimental evidence demonstrating its impact on protein function have been reported. One clinical diagnostic laboratory has submitted a clinical-significance assessment for this variant to ClinVar after 2014 without evidence for independent evaluation and classified the variant as likely pathogenic. Based on the evidence outlined above, the variant was classified as uncertain significance.

CeGaT Center for Human Genetics Tuebingen
Classification: Likely pathogenic. Last evaluated: 2019-10-01. Review status: criteria provided, single submitter. Criteria: CeGaT Center For Human Genetics Tuebingen Variant Classification Criteria Version 2. Collection method: clinical testing. Allele origin: germline. Affected: yes. Observed: 2 variant alleles.

NM_003619.4(PRSS12):c.1413_1416dup (p.His473fs)

Gene: PRSS12 (serine protease 12; minus strand). Cytogenetic location: 4q26.
Variant type: Duplication.
Coding change: c.1413_1416dup on transcript NM_003619.4 (MANE Select); coding-DNA positions 1413 to 1416, 4 bases duplicated (AAGG; older notation c.1413_1416dupAAGG).
Protein change: p.His473fs; shifts the reading frame from histidine 473.
Molecular consequence: frameshift variant.
Genome position (GRCh38, 1-based): chr4:118,313,274-118,313,277, CCTT duplicated on the plus strand (AAGG on the coding strand, the reverse complement: PRSS12 is on the minus strand); duplicating any 4 consecutive bases within chr4:118,313,274-118,313,279 gives the same sequence; the c. name uses the placement nearest the transcript's 3' end. VCF-style (leftmost placement, unchanged base first): chr4-118313273-G-GCCTT. GRCh37 (hg19) VCF-style: chr4-119234428-G-GCCTT.
Other names: c.1413_1416dupAAGG (NM_003619.3); short protein forms H473fs.
Identifiers: ClinVar variation 871114 (VCV000871114.42), dbSNP rs752784904, ClinGen allele CA3055646.
Genomic context (GRCh38, chr4:118,313,273, plus strand): 5'-TGTGTCCCTCGCCGCCAGGGTAGCAGGCAATGCTAACATCTTCGCGGTGGCTGCAGTCAT[G>GCCTT]CCTTCCCCACTGTCGCCTGGAACACTGAAGAAATCTGGTTTCCTTTCCTGAGCAGCTGAC-3'